The following is an entry in ClinVar:

NM_000089.4(COL1A2):c.1502C>A (p.Thr501Asn)

Gene: COL1A2 (collagen type I alpha 2 chain; plus strand). Cytogenetic location: 7q21.3.
Variant type: single nucleotide variant.
Coding change: c.1502C>A on transcript NM_000089.4 (MANE Select); coding-DNA position 1502, C replaced by A.
Protein change: p.Thr501Asn; replaces threonine 501 with asparagine.
Molecular consequence: missense variant.
Genome position (GRCh38, 1-based): chr7:94,412,681, C>A. VCF-style: chr7-94412681-C-A. GRCh37 (hg19) VCF-style: chr7-94041993-C-A.
Other names: short protein forms T501N.
Identifiers: ClinVar variation 1774037 (VCV001774037.7), dbSNP rs1466730398, ClinGen allele CA368221974.
Genomic context (GRCh38, chr7:94,412,681, plus strand): 5'-GCCCAGCTGGAGCAAGAGGAGAGCCTGGCAACATTGGATTCCCTGGACCCAAAGGCCCCA[C>A]TGTAAGAATCACCACAACTTTCTTACCCTCAGCACTTTCTGTAGCCAAATTTTACCAAAC-3'
Protein context (NP_000080.2, residues 491-511): NIGFPGPKGP[Thr501Asn]GDPGKNGDKG

ClinVar aggregate classification (germline): Uncertain significance. Review status: criteria provided, multiple submitters, no conflicts (2 of 4 stars). 2 submissions from 2 submitters: Uncertain significance (2). Last evaluated 2022-02-10.

Conditions:
Ehlers-Danlos syndrome, classic type, 1 (EDSCL1). Also called: Ehlers-Danlos syndrome, type 1; Ehlers-Danlos Syndrome, Classic Type, COL5A1-Related; EDS I; EHLERS-DANLOS SYNDROME, GRAVIS TYPE; EHLERS-DANLOS SYNDROME, SEVERE CLASSIC TYPE. Identifiers: MedGen C0268335, MONDO:0019567, OMIM 130000.
Osteogenesis imperfecta type I (OI1). Also called: Osteogenesis imperfecta type 1; Lobstein's Disease; Lobstein disease; OI, TYPE I; OSTEOGENESIS IMPERFECTA TARDA; OSTEOGENESIS IMPERFECTA WITH BLUE SCLERAE. Identifiers: Orphanet 216796, Orphanet 666, MedGen C0023931, MONDO:0008146, OMIM 166200. Disease mechanism: loss of function.
Cardiovascular phenotype. Identifiers: MedGen CN230736.

gnomAD v4.1: 7 of 1,613,628 alleles (0.00043%); highest among the groups gnomAD compares: African/African-American, 0.0013%; no homozygotes.

Submissions (2):

Labcorp Genetics (formerly Invitae), Labcorp
Classification: Uncertain significance for Osteogenesis imperfecta type I; Ehlers-Danlos syndrome, classic type, 1. Last evaluated: 2022-02-10. Review status: criteria provided, single submitter. Criteria: Invitae Variant Classification Sherloc (09022015). Collection method: clinical testing. Allele origin: germline.
Comment: This variant is present in population databases (no rsID available, gnomAD 0.01%). This variant has not been reported in the literature in individuals affected with COL1A2-related conditions. Algorithms developed to predict the effect of missense changes on protein structure and function output the following: SIFT: "Tolerated"; PolyPhen-2: "Not Available"; Align-GVGD: "Class C0". The asparagine amino acid residue is found in multiple mammalian species, which suggests that this missense change does not adversely affect protein function. In summary, the available evidence is currently insufficient to determine the role of this variant in disease. Therefore, it has been classified as a Variant of Uncertain Significance. This sequence change replaces threonine, which is neutral and polar, with asparagine, which is neutral and polar, at codon 501 of the COL1A2 protein (p.Thr501Asn).

Ambry Genetics
Classification: Uncertain significance for Cardiovascular phenotype. Last evaluated: 2019-08-12. Review status: criteria provided, single submitter. Criteria: Ambry Variant Classification Scheme 2023. Collection method: clinical testing. Allele origin: germline.
Comment: The p.T501N variant (also known as c.1502C>A), located in coding exon 25 of the COL1A2 gene, results from a C to A substitution at nucleotide position 1502. The threonine at codon 501 is replaced by asparagine, an amino acid with similar properties. This amino acid position is poorly conserved in available vertebrate species. In addition, the in silico prediction for this alteration is inconclusive. Since supporting evidence is limited at this time, the clinical significance of this alteration remains unclear.